The following is an entry in ClinVar:

ClinVar aggregate classification (germline): Uncertain significance (1 of 4 stars; one submission).

Conditions:
Familial meningioma. Also called: Meningioma, familial, susceptibility to. Identifiers: Orphanet 263662, MedGen C3551915, MONDO:0011789, OMIM 607174.

gnomAD v4.1: 1 of 1,613,584 alleles (0.000062%); highest among the groups gnomAD compares: Non-Finnish European, 0.000085%; no homozygotes.

Submission:

Labcorp Genetics (formerly Invitae), Labcorp
Classification: Uncertain significance for Familial meningioma. Last evaluated: 2025-12-10. Review status: criteria provided, single submitter. Criteria: Invitae Variant Classification Sherloc (09022015). Collection method: clinical testing. Allele origin: germline.
Comment: This sequence change replaces aspartic acid, which is acidic and polar, with asparagine, which is neutral and polar, at codon 184 of the SMARCE1 protein (p.Asp184Asn). This variant is not present in population databases (gnomAD no frequency). This variant has not been reported in the literature in individuals affected with SMARCE1-related conditions. Invitae Evidence Modeling of protein sequence and biophysical properties (such as structural, functional, and spatial information, amino acid conservation, physicochemical variation, residue mobility, and thermodynamic stability) indicates that this missense variant is expected to disrupt SMARCE1 protein function with a positive predictive value of 80%. In summary, the available evidence is currently insufficient to determine the role of this variant in disease. Therefore, it has been classified as a Variant of Uncertain Significance.

NM_003079.5(SMARCE1):c.550G>A (p.Asp184Asn)

Gene: SMARCE1 (SWI/SNF related BAF chromatin remodeling complex subunit E1; minus strand). Cytogenetic location: 17q21.2.
Variant type: single nucleotide variant.
Coding change: c.550G>A on transcript NM_003079.5 (MANE Select); coding-DNA position 550, G replaced by A.
Protein change: p.Asp184Asn; replaces aspartic acid 184 with asparagine.
Molecular consequence: missense variant.
Genome position (GRCh38, 1-based): chr17:40,632,359, C>T on the plus strand (G>A on the coding strand, the complement: SMARCE1 is on the minus strand). VCF-style: chr17-40632359-C-T. GRCh37 (hg19) VCF-style: chr17-38788611-C-T.
Other names: short protein forms D184N.
Identifiers: ClinVar variation 4698021 (VCV004698021.1).